The following is an entry in ClinVar:

NM_020822.3(KCNT1):c.250G>A (p.Asp84Asn)

Gene: KCNT1 (potassium sodium-activated channel subfamily T member 1; plus strand). Cytogenetic location: 9q34.3.
Variant type: single nucleotide variant.
Coding change: c.250G>A on transcript NM_020822.3 (MANE Select); coding-DNA position 250, G replaced by A.
Protein change: p.Asp84Asn; replaces aspartic acid 84 with asparagine.
Molecular consequence: missense variant. On other transcripts: intron variant (1).
Genome position (GRCh38, 1-based): chr9:135,714,716, G>A. VCF-style: chr9-135714716-G-A. GRCh37 (hg19) VCF-style: chr9-138606562-G-A.
Other names: c.110+12348G>A (NM_001272003.2); c.250G>A (NM_020822.2); short protein forms D84N.
Identifiers: ClinVar variation 2051807 (VCV002051807.5), dbSNP rs761659648, ClinGen allele CA5326310.

ClinVar aggregate classification (germline): Uncertain significance. Review status: criteria provided, multiple submitters, no conflicts (2 of 4 stars). 2 submissions from 2 submitters: Uncertain significance (2). Last evaluated 2025-05-07.

Conditions:
Inborn genetic diseases. Identifiers: MedGen C0950123, MeSH D030342.
Developmental and epileptic encephalopathy, 14 (DEE14). Also called: Early infantile epileptic encephalopathy 14. Identifiers: Orphanet 293181, MedGen C3554195, MONDO:0013989, OMIM 614959.
Autosomal dominant nocturnal frontal lobe epilepsy 5. Also called: Epilepsy, nocturnal frontal lobe, 5; CILIARY DYSKINESIA, PRIMARY, 28, WITH SITUS INVERSUS; CILIARY DYSKINESIA, PRIMARY, 28, WITHOUT SITUS INVERSUS; KCNT1-Related Epilepsy. Identifiers: Orphanet 98784, MedGen C3554306, MONDO:0014002, OMIM 615005.

Allele frequency attached by ClinVar (database versions not stated): TOPMed below 0.00001; ExAC 0.00002.
gnomAD v4.1: 6 of 1,408,860 alleles (0.00043%); highest among the groups gnomAD compares: Non-Finnish European, 0.00056%; no homozygotes.

Submissions (2):

Labcorp Genetics (formerly Invitae), Labcorp
Classification: Uncertain significance for Autosomal dominant nocturnal frontal lobe epilepsy 5; Developmental and epileptic encephalopathy, 14. Last evaluated: 2025-05-07. Review status: criteria provided, single submitter. Criteria: Invitae Variant Classification Sherloc (09022015). Collection method: clinical testing. Allele origin: germline.
Comment: This sequence change replaces aspartic acid, which is acidic and polar, with asparagine, which is neutral and polar, at codon 84 of the KCNT1 protein (p.Asp84Asn). The frequency data for this variant in the population databases is considered unreliable, as metrics indicate poor data quality at this position in the gnomAD database. This variant has not been reported in the literature in individuals affected with KCNT1-related conditions. ClinVar contains an entry for this variant (Variation ID: 2051807). Invitae Evidence Modeling of protein sequence and biophysical properties (such as structural, functional, and spatial information, amino acid conservation, physicochemical variation, residue mobility, and thermodynamic stability) indicates that this missense variant is not expected to disrupt KCNT1 protein function with a negative predictive value of 95%. In summary, the available evidence is currently insufficient to determine the role of this variant in disease. Therefore, it has been classified as a Variant of Uncertain Significance.

Ambry Genetics
Classification: Uncertain significance for Inborn genetic diseases. Last evaluated: 2024-10-19. Review status: criteria provided, single submitter. Criteria: Ambry Variant Classification Scheme 2023. Collection method: clinical testing. Allele origin: germline.